The following is an entry in ClinVar:

ClinVar aggregate classification (germline): Pathogenic (1 of 4 stars; one submission).

Allele frequency attached by ClinVar (database versions not stated): TOPMed below 0.00001; gnomAD 0.00001.
gnomAD v4.1: 2 of 1,613,798 alleles (0.00012%); highest among the groups gnomAD compares: Non-Finnish European, 0.000085%; no homozygotes.

Submission:

Labcorp Genetics (formerly Invitae), Labcorp
Classification: Pathogenic. Last evaluated: 2022-05-25. Review status: criteria provided, single submitter. Criteria: Invitae Variant Classification Sherloc (09022015). Collection method: clinical testing. Allele origin: germline.
Comment: For these reasons, this variant has been classified as Pathogenic. Algorithms developed to predict the effect of sequence changes on RNA splicing suggest that this variant may create or strengthen a splice site. This variant has not been reported in the literature in individuals affected with CPLANE1-related conditions. This variant is not present in population databases (gnomAD no frequency). This sequence change creates a premature translational stop signal (p.Gln1214*) in the CPLANE1 gene. It is expected to result in an absent or disrupted protein product. Loss-of-function variants in CPLANE1 are known to be pathogenic (PMID: 24178751, 26092869).

Literature cited by the submitters: PubMed 24178751; PubMed 26092869.

NM_001384732.1(CPLANE1):c.3640C>T (p.Gln1214Ter)

Gene: CPLANE1 (ciliogenesis and planar polarity effector complex subunit 1; minus strand). Cytogenetic location: 5p13.2.
Variant type: single nucleotide variant.
Coding change: c.3640C>T on transcript NM_001384732.1 (MANE Select); coding-DNA position 3640, C replaced by T.
Protein change: p.Gln1214Ter; replaces glutamine 1214 with a stop codon.
Molecular consequence: nonsense.
Genome position (GRCh38, 1-based): chr5:37,198,734, G>A on the plus strand (C>T on the coding strand, the complement: CPLANE1 is on the minus strand). VCF-style: chr5-37198734-G-A. GRCh37 (hg19) VCF-style: chr5-37198836-G-A.
Other names: c.3640C>T, p.Gln1214Ter (NM_023073.4); short protein forms Q1214*.
Identifiers: ClinVar variation 1998751 (VCV001998751.4), dbSNP rs1258500319, ClinGen allele CA359511196.